The following is an entry in ClinVar:

NM_006070.6(TFG):c.829A>G (p.Ser277Gly)

Gene: TFG (trafficking from ER to golgi regulator; plus strand). Cytogenetic location: 3q12.2.
Variant type: single nucleotide variant.
Coding change: c.829A>G on transcript NM_006070.6 (MANE Select); coding-DNA position 829, A replaced by G.
Protein change: p.Ser277Gly; replaces serine 277 with glycine.
Molecular consequence: missense variant.
Genome position (GRCh38, 1-based): chr3:100,748,157, A>G. VCF-style: chr3-100748157-A-G. GRCh37 (hg19) VCF-style: chr3-100467001-A-G.
Other names: c.829A>G, p.Ser277Gly (NM_001007565.2, NM_001195478.2); c.817A>G, p.Ser273Gly (NM_001195479.2); short protein forms S273G, S277G.
Identifiers: ClinVar variation 3774057 (VCV003774057.1).

ClinVar aggregate classification (germline): Uncertain significance (1 of 4 stars; one submission).

Submission:

GeneDx
Classification: Uncertain significance. Last evaluated: 2024-09-19. Review status: criteria provided, single submitter. Criteria: GeneDx Variant Classification Process June 2021. Collection method: clinical testing. Allele origin: germline. Affected: yes.
Comment: Not observed at significant frequency in large population cohorts (gnomAD); In silico analysis indicates that this missense variant does not alter protein structure/function; Has not been previously published as pathogenic or benign to our knowledge